The following is an entry in ClinVar:

NM_004036.5(ADCY3):c.228G>C (p.Glu76Asp)

Gene: ADCY3 (adenylate cyclase 3; minus strand). Cytogenetic location: 2p23.3.
Variant type: single nucleotide variant.
Coding change: c.228G>C on transcript NM_004036.5 (MANE Select); coding-DNA position 228, G replaced by C.
Protein change: p.Glu76Asp; replaces glutamic acid 76 with aspartic acid.
Molecular consequence: missense variant.
Genome position (GRCh38, 1-based): chr2:24,918,760, C>G on the plus strand (G>C on the coding strand, the complement: ADCY3 is on the minus strand). VCF-style: chr2-24918760-C-G. GRCh37 (hg19) VCF-style: chr2-25141629-C-G.
Other names: c.228G>C, p.Glu76Asp (NM_001320613.2, NM_001377128.1, NM_001377129.1 and 2 more transcripts); short protein forms E76D.
Identifiers: ClinVar variation 4997768 (VCV004997768.1).

ClinVar aggregate classification (germline): Uncertain significance (1 of 4 stars; one submission).

Conditions:
ADCY3-related disorder. Also called: ADCY3-related condition.

Submission:

PreventionGenetics, part of Exact Sciences
Classification: Uncertain significance for ADCY3-related condition. Last evaluated: 2025-04-25. Review status: criteria provided, single submitter. Criteria: ACMG Guidelines, 2015. Collection method: clinical testing. Allele origin: germline.
Comment: The ADCY3 c.228G>C variant is predicted to result in the amino acid substitution p.Glu76Asp. To our knowledge, this variant has not been reported in the literature or in a large population database (gnomAD), indicating this variant is rare. At this time, the clinical significance of this variant is uncertain due to the absence of conclusive functional and genetic evidence.